The following is an entry in ClinVar:

NM_001330311.2(DVL1):c.1258C>T (p.Arg420Trp)

Gene: DVL1 (dishevelled segment polarity protein 1; minus strand). Cytogenetic location: 1p36.33.
Variant type: single nucleotide variant.
Coding change: c.1258C>T on transcript NM_001330311.2 (MANE Select); coding-DNA position 1258, C replaced by T.
Protein change: p.Arg420Trp; replaces arginine 420 with tryptophan.
Molecular consequence: missense variant.
Genome position (GRCh38, 1-based): chr1:1,338,603, G>A on the plus strand (C>T on the coding strand, the complement: DVL1 is on the minus strand). VCF-style: chr1-1338603-G-A. GRCh37 (hg19) VCF-style: chr1-1273983-G-A.
Other names: c.1183C>T, p.Arg395Trp (NM_004421.3); c.1183C>T (NM_004421.2); short protein forms R420W, R395W.
Identifiers: ClinVar variation 1922494 (VCV001922494.7), dbSNP rs372788630, ClinGen allele CA520164.
Genomic context (GRCh38, chr1:1,338,603, plus strand): 5'-TGATCTTGAGCCACATGCGGTCGCGGATCTCCAGTCCCGAGTCTGGCAGCTGCATGACCC[G>A]GACGACGGCGCTCATGTCACTCTTCACCGTCAGCGGCGCCTCTTCCAGCTCTGCAAAGCA-3'
Protein context (NP_001317240.1, residues 410-430): TVKSDMSAVV[Arg420Trp]VMQLPDSGLE

ClinVar aggregate classification (germline): Uncertain significance. Review status: criteria provided, multiple submitters, no conflicts (2 of 4 stars). 2 submissions from 2 submitters: Uncertain significance (2). Last evaluated 2025-06-22.

Conditions:
Inborn genetic diseases. Identifiers: MedGen C0950123, MeSH D030342.

Allele frequency attached by ClinVar (database versions not stated): gnomAD exomes below 0.00001; ExAC 0.00001; gnomAD 0.00003; TOPMed 0.00006; ESP Exome Variant Server 0.00008.
gnomAD v4.1: 11 of 1,612,018 alleles (0.00068%); highest among the groups gnomAD compares: African/African-American, 0.0067%; no homozygotes.

Submissions (2):

Ambry Genetics
Classification: Uncertain significance for Inborn genetic diseases. Last evaluated: 2025-06-22. Review status: criteria provided, single submitter. Criteria: Ambry Variant Classification Scheme 2023. Collection method: clinical testing. Allele origin: germline.

Labcorp Genetics (formerly Invitae), Labcorp
Classification: Uncertain significance. Last evaluated: 2025-03-31. Review status: criteria provided, single submitter. Criteria: Invitae Variant Classification Sherloc (09022015). Collection method: clinical testing. Allele origin: germline.
Comment: This sequence change replaces arginine, which is basic and polar, with tryptophan, which is neutral and slightly polar, at codon 395 of the DVL1 protein (p.Arg395Trp). The frequency data for this variant in the population databases is considered unreliable, as metrics indicate poor data quality at this position in the gnomAD database. This variant has not been reported in the literature in individuals affected with DVL1-related conditions. ClinVar contains an entry for this variant (Variation ID: 1922494). Invitae Evidence Modeling of protein sequence and biophysical properties (such as structural, functional, and spatial information, amino acid conservation, physicochemical variation, residue mobility, and thermodynamic stability) indicates that this missense variant is not expected to disrupt DVL1 protein function with a negative predictive value of 80%. In summary, the available evidence is currently insufficient to determine the role of this variant in disease. Therefore, it has been classified as a Variant of Uncertain Significance.